The following is an entry in ClinVar:

ClinVar aggregate classification (germline): Uncertain significance (1 of 4 stars; one submission).

Conditions:
Hereditary cancer-predisposing syndrome. Also called: Neoplastic Syndromes, Hereditary; Tumor predisposition; Hereditary Cancer Syndrome; Hereditary neoplastic syndrome. Identifiers: Orphanet 140162, MedGen C0027672, MeSH D009386, MONDO:0015356.

Submission:

Ambry Genetics
Classification: Uncertain significance for Hereditary cancer-predisposing syndrome. Last evaluated: 2024-11-08. Review status: criteria provided, single submitter. Criteria: Ambry Variant Classification Scheme 2023. Collection method: clinical testing. Allele origin: germline.
Comment: The p.P181S variant (also known as c.541C>T), located in coding exon 6 of the NF2 gene, results from a C to T substitution at nucleotide position 541. The proline at codon 181 is replaced by serine, an amino acid with similar properties. This amino acid position is conserved. In addition, this alteration is predicted to be tolerated by in silico analysis. Based on the available evidence, the clinical significance of this variant remains unclear.

NM_000268.4(NF2):c.541C>T (p.Pro181Ser)

Gene: NF2 (NF2, moesin-ezrin-radixin like (MERLIN) tumor suppressor; plus strand). Cytogenetic location: 22q12.2.
Variant type: single nucleotide variant.
Coding change: c.541C>T on transcript NM_000268.4 (MANE Select); coding-DNA position 541, C replaced by T.
Protein change: p.Pro181Ser; replaces proline 181 with serine.
Molecular consequence: missense variant. On other transcripts: intron variant (1).
Genome position (GRCh38, 1-based): chr22:29,655,618, C>T. VCF-style: chr22-29655618-C-T. GRCh37 (hg19) VCF-style: chr22-30051607-C-T.
Other names: c.427C>T, p.Pro143Ser (NM_001407053.1, NM_001407056.1); c.418C>T, p.Pro140Ser (NM_001407054.1, NM_001407058.1, NM_001407062.1 and 1 more transcripts); c.415C>T, p.Pro139Ser (NM_001407055.1, NM_181828.3); c.541C>T, p.Pro181Ser (NM_001407057.1, NM_001407059.1, NM_001407060.1 and 4 more transcripts); c.292C>T, p.Pro98Ser (NM_001407063.1, NM_001407064.1, NM_181830.3 and 1 more transcripts); c.7C>T, p.Pro3Ser (NM_001407065.1); c.310C>T, p.Pro104Ser (NM_001407067.1); c.447+13333C>T (NM_181833.3); short protein forms P104S, P139S, P140S, P143S, P3S, P181S, P98S.
Identifiers: ClinVar variation 3405027 (VCV003405027.1).
Genomic context (GRCh38, chr22:29,655,618, plus strand): 5'-TGTGTAGGTTTTTTATTTTGCTCTATTTTTTGGTAGGTAATAAATCTGTATCAGATGACT[C>T]CGGAAATGTGGGAGGAGAGAATTACTGCTTGGTACGCAGAGCACCGAGGCCGAGCCAGGT-3'
Protein context (NP_000259.1, residues 171-191): KRVINLYQMT[Pro181Ser]EMWEERITAW